The following is an entry in ClinVar:

NM_000051.4(ATM):c.3153+5G>C

Gene: ATM (ATM serine/threonine kinase; plus strand). Cytogenetic location: 11q22.3.
Variant type: single nucleotide variant.
Coding change: c.3153+5G>C on transcript NM_000051.4 (MANE Select); 5 bases into the intron after coding-DNA position 3153, G replaced by C.
Molecular consequence: intron variant.
Genome position (GRCh38, 1-based): chr11:108,272,612, G>C. VCF-style: chr11-108272612-G-C. GRCh37 (hg19) VCF-style: chr11-108143339-G-C.
Other names: c.3153+5G>C (NM_001351834.2).
Identifiers: ClinVar variation 1171620 (VCV001171620.6), dbSNP rs1591608756, ClinGen allele CA2499220606.

ClinVar aggregate classification (germline): Conflicting classifications of pathogenicity. Review status: criteria provided, conflicting classifications (1 of 4 stars). 3 submissions from 3 submitters: Likely pathogenic (1); Uncertain significance (2). Last evaluated 2024-06-21.

Conditions:
Hereditary cancer-predisposing syndrome. Also called: Hereditary neoplastic syndrome; Neoplastic Syndromes, Hereditary; Hereditary Cancer Syndrome; Tumor predisposition. Identifiers: Orphanet 140162, MedGen C0027672, MeSH D009386, MONDO:0015356.
Ataxia-telangiectasia syndrome (AT). Also called: Ataxia telangiectasia (A-T); ATAXIA-TELANGIECTASIA, COMPLEMENTATION GROUP A; ATAXIA-TELANGIECTASIA, FRESNO VARIANT; Ataxia-telangiectasia, complementation group D; AT, COMPLEMENTATION GROUP C; Ataxia-telangiectasia, complementation group E. Identifiers: Orphanet 100, MedGen C0004135, MONDO:0008840, OMIM 208900.

Submissions (3):

Labcorp Genetics (formerly Invitae), Labcorp
Classification: Uncertain significance for Ataxia-telangiectasia syndrome. Last evaluated: 2024-06-21. Review status: criteria provided, single submitter. Criteria: Invitae Variant Classification Sherloc (09022015). Collection method: clinical testing. Allele origin: germline.
Comment: This sequence change falls in intron 21 of the ATM gene. It does not directly change the encoded amino acid sequence of the ATM protein. It affects a nucleotide within the consensus splice site. This variant is not present in population databases (gnomAD no frequency). This variant has not been reported in the literature in individuals affected with ATM-related conditions. ClinVar contains an entry for this variant (Variation ID: 1171620). Variants that disrupt the consensus splice site are a relatively common cause of aberrant splicing (PMID: 17576681, 9536098). Algorithms developed to predict the effect of sequence changes on RNA splicing suggest that this variant may disrupt the consensus splice site. In summary, the available evidence is currently insufficient to determine the role of this variant in disease. Therefore, it has been classified as a Variant of Uncertain Significance.

Color Diagnostics, LLC DBA Color Health
Classification: Uncertain significance for Hereditary cancer-predisposing syndrome. Last evaluated: 2024-05-29. Review status: criteria provided, single submitter. Criteria: ACMG Guidelines, 2015. Collection method: clinical testing. Allele origin: germline.
Comment: This variant causes a G to C nucleotide substitution at the +5 position of intron 21 of the ATM gene. Splice site prediction tools predict that this variant may have a significant impact on RNA splicing. This variant has been reported to impact RNA splicing by an external laboratory, however, detailed data are not available for review (ClinVar Accession: SCV005037660.1). To our knowledge, this variant has not been reported in individuals affected with hereditary cancer in the literature. This variant has not been identified in the general population by the Genome Aggregation Database (gnomAD). The available evidence is insufficient to determine the role of this variant in disease conclusively. Therefore, this variant is classified as a Variant of Uncertain Significance.

Ambry Genetics
Classification: Likely pathogenic for Hereditary cancer-predisposing syndrome. Last evaluated: 2024-01-05. Review status: criteria provided, single submitter. Criteria: Ambry Variant Classification Scheme 2023. Collection method: clinical testing. Allele origin: germline.
Comment: The c.3153+5G>C intronic variant results from a G to C substitution 5 nucleotides after coding exon 20 in the ATM gene. This nucleotide position is well conserved in available vertebrate species. In silico splice site analysis predicts that this alteration will weaken the native splice donor site. RNA studies have demonstrated that this alteration results in abnormal splicing in the set of samples tested (Ambry internal data). Based on the majority of available evidence to date, this variant is likely to be pathogenic.

Literature cited by the submitters: PubMed 17576681 (cited by Labcorp Genetics (formerly Invitae), Labcorp); PubMed 9536098 (cited by Labcorp Genetics (formerly Invitae), Labcorp).